The following is an entry in ClinVar:

ClinVar aggregate classification (germline): Uncertain significance. Review status: criteria provided, multiple submitters, no conflicts (2 of 4 stars). 4 submissions from 4 submitters: Uncertain significance (4). Last evaluated 2025-12-22.

Conditions:
Pheochromocytoma/paraganglioma syndrome 5. Also called: SDHA-Related Hereditary Paraganglioma-Pheochromocytoma Syndrome; Paragangliomas 5. Identifiers: Orphanet 29072, MedGen C3279992, MONDO:0013602, OMIM 614165.
Mitochondrial complex II deficiency, nuclear type 1. Also called: SUCCINATE CoQ REDUCTASE DEFICIENCY. Identifiers: Orphanet 3208, MedGen C5700310, MONDO:0100294, OMIM 252011.
Hereditary cancer-predisposing syndrome. Also called: Hereditary neoplastic syndrome; Tumor predisposition; Hereditary Cancer Syndrome; Neoplastic Syndromes, Hereditary. Identifiers: Orphanet 140162, MedGen C0027672, MeSH D009386, MONDO:0015356.

Allele frequency attached by ClinVar (database versions not stated): gnomAD 0.00001.
gnomAD v4.1: 1 of 1,613,702 alleles (0.000062%); highest among the groups gnomAD compares: Admixed American, 0.0017%; no homozygotes.

Submissions (4):

Ambry Genetics
Classification: Uncertain significance for Hereditary cancer-predisposing syndrome. Last evaluated: 2025-12-22. Review status: criteria provided, single submitter. Criteria: Ambry Variant Classification Scheme 2023. Collection method: clinical testing. Allele origin: germline.

Labcorp Genetics (formerly Invitae), Labcorp
Classification: Uncertain significance for Pheochromocytoma/paraganglioma syndrome 5; Mitochondrial complex II deficiency, nuclear type 1. Last evaluated: 2025-05-05. Review status: criteria provided, single submitter. Criteria: Invitae Variant Classification Sherloc (09022015). Collection method: clinical testing. Allele origin: germline.
Comment: This sequence change replaces alanine, which is neutral and non-polar, with valine, which is neutral and non-polar, at codon 236 of the SDHA protein (p.Ala236Val). This variant is not present in population databases (gnomAD no frequency). This variant has not been reported in the literature in individuals affected with SDHA-related conditions. ClinVar contains an entry for this variant (Variation ID: 412333). Invitae Evidence Modeling of protein sequence and biophysical properties (such as structural, functional, and spatial information, amino acid conservation, physicochemical variation, residue mobility, and thermodynamic stability) indicates that this missense variant is not expected to disrupt SDHA protein function with a negative predictive value of 95%. In summary, the available evidence is currently insufficient to determine the role of this variant in disease. Therefore, it has been classified as a Variant of Uncertain Significance.

GeneDx
Classification: Uncertain significance. Last evaluated: 2024-05-14. Review status: criteria provided, single submitter. Criteria: GeneDx Variant Classification Process June 2021. Collection method: clinical testing. Allele origin: germline.
Comment: Not observed at significant frequency in large population cohorts (gnomAD); In silico analysis supports that this missense variant has a deleterious effect on protein structure/function; Has not been previously published as pathogenic or benign to our knowledge

Quest Diagnostics Nichols Institute San Juan Capistrano
Classification: Uncertain significance. Last evaluated: 2022-11-03. Review status: criteria provided, single submitter. Criteria: Quest Diagnostics criteria. Collection method: clinical testing. Allele origin: unknown.
Comment: The variant has not been reported in individuals with SDHA-related conditions in the published literature. The frequency of this variant in the general population, 0.0000066 (1/152110 chromosomes), is uninformative in assessment of its pathogenicity. Analysis of this variant using bioinformatics tools for the prediction of the effect of amino acid changes on protein structure and function yielded predictions that this variant is damaging. Based on the available information, we are unable to determine the clinical significance of this variant.

NM_004168.4(SDHA):c.707C>T (p.Ala236Val)

Gene: SDHA (succinate dehydrogenase complex flavoprotein subunit A; plus strand). Cytogenetic location: 5p15.33.
Variant type: single nucleotide variant.
Coding change: c.707C>T on transcript NM_004168.4 (MANE Select); coding-DNA position 707, C replaced by T.
Protein change: p.Ala236Val; replaces alanine 236 with valine.
Molecular consequence: missense variant.
Genome position (GRCh38, 1-based): chr5:228,270, C>T. VCF-style: chr5-228270-C-T. GRCh37 (hg19) VCF-style: chr5-228385-C-T.
Other names: c.563C>T, p.Ala188Val (NM_001294332.2); c.707C>T, p.Ala236Val (NM_001330758.2); short protein forms A236V, A188V.
Identifiers: ClinVar variation 412333 (VCV000412333.18), dbSNP rs1060503703, ClinGen allele CA16611938.
Genomic context (GRCh38, chr5:228,270, plus strand): 5'-TTGTGGAGTATTTTGCCTTGGATCTCCTGATGGAGAATGGGGAGTGCCGTGGTGTCATCG[C>T]ACTGTGCATAGAGGACGGGTCCATCCATCGCATAAGAGCAAAGAACACTGTTGTTGCCAC-3'
Protein context (NP_004159.2, residues 226-246): MENGECRGVI[Ala236Val]LCIEDGSIHR